The following is an entry in ClinVar:

NM_015295.3(SMCHD1):c.4007+63G>A

Gene: SMCHD1 (structural maintenance of chromosomes flexible hinge domain containing 1; plus strand). Cytogenetic location: 18p11.32.
Variant type: single nucleotide variant.
Coding change: c.4007+63G>A on transcript NM_015295.3 (MANE Select); 63 bases into the intron after coding-DNA position 4007, G replaced by A.
Molecular consequence: intron variant.
Genome position (GRCh38, 1-based): chr18:2,750,185, G>A. VCF-style: chr18-2750185-G-A. GRCh37 (hg19) VCF-style: chr18-2750183-G-A.
Identifiers: ClinVar variation 1703306 (VCV001703306.2), dbSNP rs114469718, ClinGen allele CA295479445.

ClinVar aggregate classification (germline): Likely benign (1 of 4 stars; one submission).

Allele frequency attached by ClinVar (database versions not stated): gnomAD exomes 0.00044; gnomAD 0.00460; TOPMed 0.00498; 1000 Genomes Project 0.00659; 1000 Genomes Project 30x 0.00687.
gnomAD v4.1: 1,328 of 1,482,632 alleles (0.09%); highest among the groups gnomAD compares: African/African-American, 1.6%; 9 homozygotes.

Submission:

GeneDx
Classification: Likely benign. Last evaluated: 2022-02-27. Review status: criteria provided, single submitter. Criteria: GeneDx Variant Classification Process June 2021. Collection method: clinical testing. Allele origin: germline. Affected: yes.
Comment: See Variant Classification Assertion Criteria.